The following is an entry in ClinVar:

NM_053025.4(MYLK):c.1804+5G>T

Gene: MYLK (myosin light chain kinase; minus strand). Cytogenetic location: 3q21.1.
Variant type: single nucleotide variant.
Coding change: c.1804+5G>T on transcript NM_053025.4 (MANE Select); 5 bases into the intron after coding-DNA position 1804, G replaced by T.
Molecular consequence: intron variant.
Genome position (GRCh38, 1-based): chr3:123,722,123, C>A on the plus strand (G>T on the coding strand, the complement: MYLK is on the minus strand). VCF-style: chr3-123722123-C-A. GRCh37 (hg19) VCF-style: chr3-123440970-C-A.
Other names: c.1276+5G>T (NM_001321309.2); c.1597+5G>T (NM_053028.4, NM_053026.4); c.1804+5G>T (NM_053027.4, NM_053025.3).
Identifiers: ClinVar variation 2070134 (VCV002070134.5), dbSNP rs749989754, ClinGen allele CA067546.

ClinVar aggregate classification (germline): Uncertain significance. Review status: criteria provided, multiple submitters, no conflicts (2 of 4 stars). 3 submissions from 3 submitters: Uncertain significance (3). Last evaluated 2025-09-09.

Conditions:
MYLK-related disorder. Also called: MYLK-related condition.
Familial thoracic aortic aneurysm and aortic dissection (TAAD). Also called: Thoracic aortic aneurysms and dissections. Identifiers: Orphanet 91387, MedGen C4707243, MONDO:0019625.
Aortic aneurysm, familial thoracic 7 (AAT7). Also called: AORTIC DISSECTION, FAMILIAL, WITH OR WITHOUT AORTIC ANEURYSM. Identifiers: MedGen C3151077, MONDO:0013418, OMIM 613780.

Allele frequency attached by ClinVar (database versions not stated): TOPMed 0.00003.
gnomAD v4.1: 55 of 1,563,882 alleles (0.0035%); highest among the groups gnomAD compares: Middle Eastern, 0.017%; 1 homozygote.

Submissions (3):

Labcorp Genetics (formerly Invitae), Labcorp
Classification: Uncertain significance for Aortic aneurysm, familial thoracic 7. Last evaluated: 2025-09-09. Review status: criteria provided, single submitter. Criteria: Invitae Variant Classification Sherloc (09022015). Collection method: clinical testing. Allele origin: germline.
Comment: This sequence change falls in intron 13 of the MYLK gene. It does not directly change the encoded amino acid sequence of the MYLK protein. It affects a nucleotide within the consensus splice site. The frequency data for this variant in the population databases is considered unreliable, as metrics indicate poor data quality at this position in the gnomAD database. This variant has not been reported in the literature in individuals affected with MYLK-related conditions. ClinVar contains an entry for this variant (Variation ID: 2070134). Variants that disrupt the consensus splice site are a relatively common cause of aberrant splicing (PMID: 17576681, 9536098). Algorithms developed to predict the effect of sequence changes on RNA splicing suggest that this variant may disrupt the consensus splice site. In summary, the available evidence is currently insufficient to determine the role of this variant in disease. Therefore, it has been classified as a Variant of Uncertain Significance.

Ambry Genetics
Classification: Uncertain significance for Familial thoracic aortic aneurysm and aortic dissection. Last evaluated: 2025-06-13. Review status: criteria provided, single submitter. Criteria: Ambry Variant Classification Scheme 2023. Collection method: clinical testing. Allele origin: germline.
Comment: The c.1804+5G>T intronic variant results from a G to T substitution 5 nucleotides after coding exon 10 in the MYLK gene. This nucleotide position is highly conserved in available vertebrate species. In silico splice site analysis predicts that this alteration may weaken the native splice donor site. Based on the available evidence, the clinical significance of this variant remains unclear.

PreventionGenetics, part of Exact Sciences
Classification: Uncertain significance for MYLK-related condition. Last evaluated: 2023-08-13. Review status: criteria provided, single submitter. Criteria: ACMG Guidelines, 2015. Collection method: clinical testing. Allele origin: germline.
Comment: The MYLK c.1804+5G>T variant is predicted to interfere with splicing. To our knowledge, this variant has not been reported in the literature. This variant is reported in 0.0037% of alleles in individuals of Latino descent in gnomAD. At this time, the clinical significance of this variant is uncertain due to the absence of conclusive functional and genetic evidence.

Literature cited by the submitters: PubMed 17576681 (cited by Labcorp Genetics (formerly Invitae), Labcorp); PubMed 9536098 (cited by Labcorp Genetics (formerly Invitae), Labcorp).